The following is an entry in ClinVar:

ClinVar aggregate classification (germline): Pathogenic (1 of 4 stars; one submission).

Conditions:
Marfan syndrome (MFS). Also called: MARFAN SYNDROME, TYPE I; Marfan syndrome type 1; Marfan's syndrome; Marfan syndrome, classic; FBN1-Related Marfan Syndrome. Identifiers: Orphanet 284963, Orphanet 558, MedGen C0024796, MONDO:0007947, OMIM 154700.
Familial thoracic aortic aneurysm and aortic dissection (TAAD). Also called: Thoracic aortic aneurysms and dissections. Identifiers: Orphanet 91387, MedGen C4707243, MONDO:0019625.

Submission:

Labcorp Genetics (formerly Invitae), Labcorp
Classification: Pathogenic for Marfan syndrome; Familial thoracic aortic aneurysm and aortic dissection. Last evaluated: 2020-12-13. Review status: criteria provided, single submitter. Criteria: Invitae Variant Classification Sherloc (09022015). Collection method: clinical testing. Allele origin: germline.
Comment: This variant is not present in population databases (ExAC no frequency). For these reasons, this variant has been classified as Pathogenic. Algorithms developed to predict the effect of sequence changes on RNA splicing suggest that this variant may disrupt the consensus splice site, but this prediction has not been confirmed by published transcriptional studies. Disruption of this splice site has been observed in individual(s) with Marfan syndrome (PMID: 19293843). In at least one individual the variant was observed to be de novo. This sequence change affects a donor splice site in intron 54 of the FBN1 gene. It is expected to disrupt RNA splicing. Variants that disrupt the donor or acceptor splice site typically lead to a loss of protein function (PMID: 16199547), and loss-of-function variants in FBN1 are known to be pathogenic (PMID: 17657824, 19293843).

Literature cited by the submitters: PubMed 19293843; PubMed 16199547; PubMed 17657824.

NM_000138.5(FBN1):c.6616+2T>C

Gene: FBN1 (fibrillin 1; minus strand). Cytogenetic location: 15q21.1.
Variant type: single nucleotide variant.
Coding change: c.6616+2T>C on transcript NM_000138.5 (MANE Select); the canonical splice donor site of the intron after coding-DNA position 6616, T replaced by C.
Molecular consequence: splice donor variant.
Genome position (GRCh38, 1-based): chr15:48,434,592, A>G on the plus strand (T>C on the coding strand, the complement: FBN1 is on the minus strand). VCF-style: chr15-48434592-A-G. GRCh37 (hg19) VCF-style: chr15-48726789-A-G.
Other names: c.6616+2T>C (NM_001406716.1).
Identifiers: ClinVar variation 1453441 (VCV001453441.8), dbSNP rs2141236949, ClinGen allele CA392334559.